The following is an entry in ClinVar:

ClinVar aggregate classification (germline): Uncertain significance (1 of 4 stars; one submission).

Conditions:
Hyperkalemic periodic paralysis. Also called: Familial hyperkalemic periodic paralysis; Gamstorp disease. Identifiers: Orphanet 682, MedGen C0238357, MONDO:0008224, OMIM 170500, HP:0007215.

gnomAD v4.1: 2 of 1,214,626 alleles (0.00016%); highest among the groups gnomAD compares: South Asian, 0.0024%; no homozygotes.

Submission:

Labcorp Genetics (formerly Invitae), Labcorp
Classification: Uncertain significance for Hyperkalemic periodic paralysis. Last evaluated: 2022-09-21. Review status: criteria provided, single submitter. Criteria: Invitae Variant Classification Sherloc (09022015). Collection method: clinical testing. Allele origin: germline.
Comment: In summary, the available evidence is currently insufficient to determine the role of this variant in disease. Therefore, it has been classified as a Variant of Uncertain Significance. Algorithms developed to predict the effect of sequence changes on RNA splicing suggest that this variant may create or strengthen a splice site. This variant has not been reported in the literature in individuals affected with SCN4A-related conditions. This variant is not present in population databases (gnomAD no frequency). This sequence change affects codon 608 of the SCN4A mRNA. It is a 'silent' change, meaning that it does not change the encoded amino acid sequence of the SCN4A protein.

NM_000334.4(SCN4A):c.1824C>T (p.Asn608=)

Gene: SCN4A (sodium voltage-gated channel alpha subunit 4; minus strand). Cytogenetic location: 17q23.3.
Variant type: single nucleotide variant.
Coding change: c.1824C>T on transcript NM_000334.4 (MANE Select); coding-DNA position 1824, C replaced by T.
Protein change: p.Asn608=; no amino-acid change (asparagine 608 retained).
Molecular consequence: synonymous variant.
Genome position (GRCh38, 1-based): chr17:63,961,214, G>A on the plus strand (C>T on the coding strand, the complement: SCN4A is on the minus strand). VCF-style: chr17-63961214-G-A. GRCh37 (hg19) VCF-style: chr17-62038574-G-A.
Identifiers: ClinVar variation 2104061 (VCV002104061.4), dbSNP rs755046466, ClinGen allele CA501349043.
Genomic context (GRCh38, chr17:63,961,214, plus strand): 5'-TCCTGCCCATGAATGATCCCCTCCCCCGCCCCTCCCTACCAGGTTGCCCACAGTGAGCAC[G>A]TTGTCAAAGTGCTCCGTCATGGGGTAATGTTCCATGGCCATGAAGAGGGTGTTGAGCACG-3'
Protein context (NP_000325.4, residues 598-618): EHYPMTEHFD[Asn608=]VLTVGNLVFT